The following is an entry in ClinVar:

NM_031433.4(MFRP):c.540_541delinsCT (p.Ala181Ser)

Genes: C1QTNF5 (C1q and TNF related 5; minus strand), MFRP (membrane frizzled-related protein; minus strand). Cytogenetic location: 11q23.3.
Variant type: Indel.
Coding change: c.540_541delinsCT on transcript NM_031433.4 (MANE Select); coding-DNA positions 540 to 541, TG replaced by CT.
Protein change: p.Ala181Ser; replaces alanine 181 with serine.
Molecular consequence: missense variant. On other transcripts: 5 prime UTR variant (1).
Genome position (GRCh38, 1-based): chr11:119,345,520-119,345,521, CA replaced by AG on the plus strand (TG replaced by CT on the coding strand, the reverse complement: MFRP is on the minus strand). VCF-style: chr11-119345520-CA-AG. GRCh37 (hg19) VCF-style: chr11-119216230-CA-AG.
Other names: c.-2097_-2096delinsCT (NM_015645.5); short protein forms A181S.
Identifiers: ClinVar variation 1375235 (VCV001375235.7), dbSNP rs2135373446, ClinGen allele CA2573146910.

ClinVar aggregate classification (germline): Uncertain significance (1 of 4 stars; one submission).

Conditions:
Isolated microphthalmia 5. Also called: Posterior Microphthalmia with Retinitis Pigmentosa, Foveoschisis, and Optic Disc Drusen. Identifiers: Orphanet 251279, MedGen C1970236, MONDO:0012605, OMIM 611040.

Submission:

Labcorp Genetics (formerly Invitae), Labcorp
Classification: Uncertain significance for Isolated microphthalmia 5. Last evaluated: 2024-02-23. Review status: criteria provided, single submitter. Criteria: Invitae Variant Classification Sherloc (09022015). Collection method: clinical testing. Allele origin: germline.
Comment: This sequence change replaces alanine with serine at codon 181 of the MFRP protein (p.Ala181Ser). The alanine residue is weakly conserved and there is a moderate physicochemical difference between alanine and serine. Information on the frequency of this variant in the gnomAD database is not available, as this variant may be reported differently in the database. This variant has not been reported in the literature in individuals affected with MFRP-related conditions. ClinVar contains an entry for this variant (Variation ID: 1375235). Experimental studies and prediction algorithms are not available or were not evaluated, and the functional significance of this variant is currently unknown. In summary, the available evidence is currently insufficient to determine the role of this variant in disease. Therefore, it has been classified as a Variant of Uncertain Significance.